The following is an entry in ClinVar:

NM_006922.4(SCN3A):c.1084G>A (p.Gly362Ser)

Gene: SCN3A (sodium voltage-gated channel alpha subunit 3; minus strand). Cytogenetic location: 2q24.3.
Variant type: single nucleotide variant.
Coding change: c.1084G>A on transcript NM_006922.4 (MANE Select); coding-DNA position 1084, G replaced by A.
Protein change: p.Gly362Ser; replaces glycine 362 with serine.
Molecular consequence: missense variant.
Genome position (GRCh38, 1-based): chr2:165,155,851, C>T on the plus strand (G>A on the coding strand, the complement: SCN3A is on the minus strand). VCF-style: chr2-165155851-C-T. GRCh37 (hg19) VCF-style: chr2-166012361-C-T.
Other names: c.1084G>A, p.Gly362Ser (NM_001081676.2, NM_001081677.2); short protein forms G362S.
Identifiers: ClinVar variation 1304623 (VCV001304623.2), dbSNP rs1688989882, ClinGen allele CA349238551.

ClinVar aggregate classification (germline): Uncertain significance (1 of 4 stars; one submission).

Allele frequency attached by ClinVar (database versions not stated): gnomAD exomes below 0.00001; TOPMed below 0.00001.
gnomAD v4.1: 1 of 1,614,026 alleles (0.000062%); highest among the groups gnomAD compares: Admixed American, 0.0017%; no homozygotes.

Submission:

GeneDx
Classification: Uncertain significance. Last evaluated: 2019-10-14. Review status: criteria provided, single submitter. Criteria: GeneDx Variant Classification Process June 2021. Collection method: clinical testing. Allele origin: germline. Affected: yes.
Comment: Not observed in large population cohorts (Lek et al., 2016); In silico analysis, which includes protein predictors and evolutionary conservation, supports a deleterious effect; Has not been previously published as pathogenic or benign to our knowledge